The following is an entry in ClinVar:

ClinVar aggregate classification (germline): Uncertain significance. Review status: criteria provided, multiple submitters, no conflicts (2 of 4 stars). 2 submissions from 2 submitters: Uncertain significance (2). Last evaluated 2024-09-09.

Conditions:
Familial cancer of breast. Also called: hereditary breast carcinoma; BREAST CANCER, FAMILIAL; Hereditary breast cancer. Identifiers: Orphanet 227535, MedGen C0346153, MONDO:0016419, OMIM 114480. Disease mechanism: loss of function.
Fanconi anemia complementation group J. Also called: BRIP1-Related Fanconi Anemia. Identifiers: Orphanet 84, MedGen C1836860, MONDO:0012187, OMIM 609054.
Hereditary cancer-predisposing syndrome. Also called: Hereditary Cancer Syndrome; Tumor predisposition; Neoplastic Syndromes, Hereditary; Hereditary neoplastic syndrome. Identifiers: Orphanet 140162, MedGen C0027672, MeSH D009386, MONDO:0015356.

Allele frequency attached by ClinVar (database versions not stated): gnomAD 0.00001; gnomAD exomes 0.00001 and 0.00002.
gnomAD v4.1: 7 of 1,614,024 alleles (0.00043%); highest among the groups gnomAD compares: Non-Finnish European, 0.000085%; no homozygotes.

Submissions (2):

Labcorp Genetics (formerly Invitae), Labcorp
Classification: Uncertain significance for Familial cancer of breast; Fanconi anemia complementation group J. Last evaluated: 2024-09-09. Review status: criteria provided, single submitter. Criteria: Invitae Variant Classification Sherloc (09022015). Collection method: clinical testing. Allele origin: germline.
Comment: This sequence change replaces proline, which is neutral and non-polar, with leucine, which is neutral and non-polar, at codon 1034 of the BRIP1 protein (p.Pro1034Leu). This variant is present in population databases (no rsID available, gnomAD 0.01%). This missense change has been observed in individual(s) with ovarian cancer as well as in a control subject (PMID: 12565990). ClinVar contains an entry for this variant (Variation ID: 646820). An algorithm developed to predict the effect of missense changes on protein structure and function (PolyPhen-2) suggests that this variant is likely to be tolerated. In summary, the available evidence is currently insufficient to determine the role of this variant in disease. Therefore, it has been classified as a Variant of Uncertain Significance.

Ambry Genetics
Classification: Uncertain significance for Hereditary cancer-predisposing syndrome. Last evaluated: 2023-10-19. Review status: criteria provided, single submitter. Criteria: Ambry Variant Classification Scheme 2023. Collection method: clinical testing. Allele origin: germline.
Comment: The p.P1034L variant (also known as c.3101C>T), located in coding exon 19 of the BRIP1 gene, results from a C to T substitution at nucleotide position 3101. The proline at codon 1034 is replaced by leucine, an amino acid with similar properties. This alteration was identified in a cohort of Finnish breast and ovarian cancer patients, as well as, controls (Karppinen SM et al. Eur J Cancer, 2003 Feb;39:366-71). This amino acid position is poorly conserved in available vertebrate species. In addition, this alteration is predicted to be tolerated by in silico analysis. Since supporting evidence is limited at this time, the clinical significance of this alteration remains unclear.

Literature cited by the submitters: PubMed 12565990 (cited by Labcorp Genetics (formerly Invitae), Labcorp and Ambry Genetics).

NM_032043.3(BRIP1):c.3101C>T (p.Pro1034Leu)

Gene: BRIP1 (BRCA1 interacting DNA helicase 1; minus strand). Cytogenetic location: 17q23.2.
Variant type: single nucleotide variant.
Coding change: c.3101C>T on transcript NM_032043.3 (MANE Select); coding-DNA position 3101, C replaced by T.
Protein change: p.Pro1034Leu; replaces proline 1034 with leucine.
Molecular consequence: missense variant.
Genome position (GRCh38, 1-based): chr17:61,683,945, G>A on the plus strand (C>T on the coding strand, the complement: BRIP1 is on the minus strand). VCF-style: chr17-61683945-G-A. GRCh37 (hg19) VCF-style: chr17-59761306-G-A.
Other names: short protein forms P1034L.
Identifiers: ClinVar variation 646820 (VCV000646820.10), dbSNP rs1199923024, ClinGen allele CA400479749.
Genomic context (GRCh38, chr17:61,683,945, plus strand): 5'-TCACATTTATCAGTGAAGGGCAAAACAGTTTTACTTTCCATCTTCTCTGTTTTGAAACGG[G>A]GAGGACTAGAGGCACTATTCTCTGATGACCCGAGCTCAGGTGTTGCCTTCGGTATTTTAC-3'
Protein context (NP_114432.2, residues 1024-1044): GSSENSASSP[Pro1034Leu]RFKTEKMESK